The following is an entry in ClinVar:

NM_020975.6(RET):c.1375G>A (p.Glu459Lys)

Gene: RET (ret proto-oncogene; plus strand). Cytogenetic location: 10q11.21.
Variant type: single nucleotide variant.
Coding change: c.1375G>A on transcript NM_020975.6 (MANE Select); coding-DNA position 1375, G replaced by A.
Protein change: p.Glu459Lys; replaces glutamic acid 459 with lysine.
Molecular consequence: missense variant.
Genome position (GRCh38, 1-based): chr10:43,111,318, G>A. VCF-style: chr10-43111318-G-A. GRCh37 (hg19) VCF-style: chr10-43606766-G-A.
Other names: c.1375G>A, p.Glu459Lys (NM_000323.2, NM_001406743.1, NM_001406744.1 and 6 more transcripts); c.613G>A, p.Glu205Lys (NM_001355216.2); c.1246G>A, p.Glu416Lys (NM_001406761.1, NM_001406762.1, NM_001406764.1 and 1 more transcripts); c.1087G>A, p.Glu363Lys (NM_001406766.1, NM_001406767.1, NM_001406770.1); c.979G>A, p.Glu327Lys (NM_001406769.1, NM_001406772.1); c.937G>A, p.Glu313Lys (NM_001406771.1, NM_001406773.1); c.850G>A, p.Glu284Lys (NM_001406774.1); c.649G>A, p.Glu217Lys (NM_001406775.1, NM_001406776.1, NM_001406777.1 and 1 more transcripts); and 1 more; short protein forms E459K, E205K, E284K, E313K, E416K, E129K, E217K, E327K.
Identifiers: ClinVar variation 405546 (VCV000405546.20), dbSNP rs539995816, ClinGen allele CA033343.

ClinVar aggregate classification (germline): Conflicting classifications of pathogenicity. Review status: criteria provided, conflicting classifications (1 of 4 stars). 5 submissions from 5 submitters: Uncertain significance (4); Benign (1). Last evaluated 2025-12-17.

Conditions:
Hirschsprung disease, susceptibility to, 1 (HSCR1). Also called: RET-Related Hirschsprung Disease. Identifiers: Orphanet 388, MedGen C3888239, MONDO:0007723, OMIM 142623.
Multiple endocrine neoplasia type 2B. Also called: WAGENMANN-FROBOESE SYNDROME; MULTIPLE ENDOCRINE NEOPLASIA, TYPE III; MULTIPLE ENDOCRINE NEOPLASIA, TYPE IIB; MEN IIB; NEUROMATA, MUCOSAL, WITH ENDOCRINE TUMORS; MEN 2B. Identifiers: Orphanet 247709, Orphanet 653, MedGen C0025269, MeSH D018814, MONDO:0008082, OMIM 162300.
Pheochromocytoma. Also called: MAX-Related Hereditary Paraganglioma-Pheochromocytoma Syndrome. Identifiers: Orphanet 29072, MedGen C0031511, MONDO:0008233, OMIM 171300, HP:0002666.
Familial medullary thyroid carcinoma (MTC). Also called: Thyroid cancer, familial medullary; MTC, familial; Familial Medullary Thyroid Carcinoma (FMTC). Identifiers: Orphanet 653, Orphanet 99361, MedGen C1833921, MONDO:0007958, OMIM 155240.
Multiple endocrine neoplasia type 2A. Also called: Multiple Endocrine Neoplasia Type 2A (MEN2A); MULTIPLE ENDOCRINE NEOPLASIA, TYPE IIA; PTC SYNDROME; SIPPLE SYNDROME; MEN 2A; MEN-2A syndrome. Identifiers: Orphanet 247698, Orphanet 653, MedGen C0025268, MeSH D018813, MONDO:0008234, OMIM 171400.
Hereditary cancer-predisposing syndrome. Also called: Tumor predisposition; Hereditary Cancer Syndrome; Hereditary neoplastic syndrome; Neoplastic Syndromes, Hereditary. Identifiers: Orphanet 140162, MedGen C0027672, MeSH D009386, MONDO:0015356.
Multiple endocrine neoplasia, type 2 (MEN2). Identifiers: Orphanet 653, MedGen C4048306, MONDO:0019003. Disease mechanism: gain of function.

Allele frequency attached by ClinVar (database versions not stated): TOPMed below 0.00001; 1000 Genomes Project 30x 0.00016; 1000 Genomes Project 0.00020.

Submissions (5):

Labcorp Genetics (formerly Invitae), Labcorp
Classification: Uncertain significance for Multiple endocrine neoplasia, type 2. Last evaluated: 2025-12-17. Review status: criteria provided, single submitter. Criteria: Invitae Variant Classification Sherloc (09022015). Collection method: clinical testing. Allele origin: germline.
Comment: This sequence change replaces glutamic acid, which is acidic and polar, with lysine, which is basic and polar, at codon 459 of the RET protein (p.Glu459Lys). This variant is present in population databases (rs539995816, gnomAD 0.01%). This variant has not been reported in the literature in individuals affected with RET-related conditions. ClinVar contains an entry for this variant (Variation ID: 405546). An algorithm developed to predict the effect of missense changes on protein structure and function outputs the following: PolyPhen-2: "Benign". The lysine amino acid residue is found in multiple mammalian species, which suggests that this missense change does not adversely affect protein function. In summary, the available evidence is currently insufficient to determine the role of this variant in disease. Therefore, it has been classified as a Variant of Uncertain Significance.

Ambry Genetics
Classification: Benign for Hereditary cancer-predisposing syndrome. Last evaluated: 2024-12-26. Review status: criteria provided, single submitter. Criteria: Ambry Variant Classification Scheme 2023. Collection method: clinical testing. Allele origin: germline.

All of Us Research Program, National Institutes of Health
Classification: Uncertain significance for Multiple endocrine neoplasia, type 2. Last evaluated: 2023-12-13. Review status: criteria provided, single submitter. Criteria: ACMG Guidelines, 2015. Collection method: clinical testing. Allele origin: germline. Inheritance: Autosomal dominant inheritance. Observed: 1 variant allele, 1 heterozygote.
Comment: This missense variant replaces glutamic acid with lysine at codon 459 of the RET protein. Computational prediction suggests that this variant may not impact protein structure and function (internally defined REVEL score threshold <= 0.5, PMID: 27666373). To our knowledge, functional studies have not been reported for this variant. This variant has been reported in an individual affected with breast cancer (PMID: 34736091). This variant has been identified in 5/251464 chromosomes in the general population by the Genome Aggregation Database (gnomAD). The available evidence is insufficient to determine the role of this variant in disease conclusively. Therefore, this variant is classified as a Variant of Uncertain Significance.

This study involves interpretation of variants in research participants for the purpose of population health screening. Participant phenotype was not available at the time of variant classification. Additional details can be found in publication PMID: 35346344, PMCID: PMC8962531

Baylor Genetics
Classification: Uncertain significance for Hirschsprung disease, susceptibility to, 1. Last evaluated: 2023-08-15. Review status: criteria provided, single submitter. Criteria: ACMG Guidelines, 2015. Collection method: clinical testing. Allele origin: unknown.

Fulgent Genetics
Classification: Uncertain significance for Hirschsprung disease, susceptibility to, 1; Familial medullary thyroid carcinoma; Multiple endocrine neoplasia type 2B; Pheochromocytoma; Multiple endocrine neoplasia type 2A. Last evaluated: 2022-02-01. Review status: criteria provided, single submitter. Criteria: ACMG Guidelines, 2015. Collection method: clinical testing. Allele origin: unknown.

Literature cited by the submitters: PubMed 34736091 (cited by All of Us Research Program, National Institutes of Health).